The following is an entry in ClinVar:

ClinVar aggregate classification (germline): Pathogenic (1 of 4 stars; one submission).

Conditions:
Hereditary spastic paraplegia 15 (SPG15). Also called: SPASTIC PARAPLEGIA 15, AUTOSOMAL RECESSIVE; KJELLIN SYNDROME; SPASTIC PARAPLEGIA AND RETINAL DEGENERATION. Identifiers: Orphanet 100996, MedGen C1849128, MONDO:0010044, OMIM 270700.

Submission:

Myriad Genetics, Inc.
Classification: Pathogenic for Hereditary spastic paraplegia 15. Last evaluated: 2024-08-26. Review status: criteria provided, single submitter. Criteria: Myriad Autosomal Dominant, Autosomal Recessive and X-Linked Classification Criteria (2023). Collection method: clinical testing. Allele origin: unknown.
Comment: NM_015346.3(ZFYVE26):c.5194_5195delCC(P1732Ifs*29) is expected to be pathogenic in the context of spastic paraplegia type 15. This variant is predicted to lead to an abnormal or absent protein product due to the creation of a premature termination codon in ZFYVE26, a gene where loss-of-function variants are known to be pathogenic. Please note: this variant was assessed in the context of healthy population screening.

NM_015346.4(ZFYVE26):c.5194_5195del (p.Pro1732fs)

Gene: ZFYVE26 (zinc finger FYVE-type containing 26; minus strand). Cytogenetic location: 14q24.1.
Variant type: Deletion.
Coding change: c.5194_5195del on transcript NM_015346.4 (MANE Select); coding-DNA positions 5194 to 5195, 2 bases deleted (CC; older notation c.5194_5195delCC).
Protein change: p.Pro1732fs; shifts the reading frame from proline 1732.
Molecular consequence: frameshift variant.
Genome position (GRCh38, 1-based): chr14:67,775,886-67,775,887, GG deleted on the plus strand (CC on the coding strand, the reverse complement: ZFYVE26 is on the minus strand). VCF-style (leftmost placement, unchanged base first): chr14-67775885-TGG-T. GRCh37 (hg19) VCF-style: chr14-68242602-TGG-T.
Other names: short protein forms P1732fs.
Identifiers: ClinVar variation 5013495 (VCV005013495.1).
Genomic context (GRCh38, chr14:67,775,885, plus strand): 5'-CATGTAGAATCCCCTTCTAGGATGCTAGCAGTTACCTGATCGTTTCTCCCTCTGAGGGTA[TGG>T]AAAGTCCAGGGCTTTCTCTGCGTATCTGGAAAGCAGTGAGTCCACCTCGTCCATAGTGAA-3'